The following is an entry in ClinVar:

ClinVar aggregate classification (germline): Uncertain significance (1 of 4 stars; one submission).

Submission:

CeGaT Center for Human Genetics Tuebingen
Classification: Uncertain significance. Last evaluated: 2024-09-01. Review status: criteria provided, single submitter. Criteria: CeGaT Center For Human Genetics Tuebingen Variant Classification Criteria Version 2. Collection method: clinical testing. Allele origin: germline. Affected: yes. Observed: 1 variant allele.
Comment: TNXB: PM2, PP2, BP4

NM_001365276.2(TNXB):c.11107C>T (p.Pro3703Ser)

Genes: TNXB (tenascin XB; minus strand), LOC106780803 (tenascin XB recombination region; plus strand). Cytogenetic location: 6p21.33.
Variant type: single nucleotide variant.
Coding change: c.11107C>T on transcript NM_001365276.2 (MANE Select); coding-DNA position 11107, C replaced by T.
Protein change: p.Pro3703Ser; replaces proline 3703 with serine.
Molecular consequence: missense variant.
Genome position (GRCh38, 1-based): chr6:32,044,537, G>A on the plus strand (C>T on the coding strand, the complement: TNXB is on the minus strand). VCF-style: chr6-32044537-G-A. GRCh37 (hg19) VCF-style: chr6-32012314-G-A.
Other names: c.11848C>T, p.Pro3950Ser (NM_001428335.1); c.11101C>T, p.Pro3701Ser (NM_019105.8); c.394C>T, p.Pro132Ser (NM_032470.4); short protein forms P132S, P3701S, P3703S, P3950S.
Identifiers: ClinVar variation 3389718 (VCV003389718.14).